The following is an entry in ClinVar:

ClinVar aggregate classification (germline): Uncertain significance. Review status: criteria provided, multiple submitters, no conflicts (2 of 4 stars). 2 submissions from 2 submitters: Uncertain significance (2). Last evaluated 2026-06-02.

Conditions:
KIDINS220-related disorder. Also called: KIDINS220-related condition.

Allele frequency attached by ClinVar (database versions not stated): ExAC 0.00002.
gnomAD v4.1: 4 of 1,614,168 alleles (0.00025%); highest among the groups gnomAD compares: Admixed American, 0.005%; no homozygotes.

Submissions (2):

PreventionGenetics, part of Exact Sciences
Classification: Uncertain significance for KIDINS220-related condition. Last evaluated: 2026-06-02. Review status: criteria provided, single submitter. Criteria: ACMG Guidelines, 2015. Collection method: clinical testing. Allele origin: germline.
Comment: The KIDINS220 c.3365G>A variant is predicted to result in the amino acid substitution p.Ser1122Asn. To our knowledge, this variant has not been reported in the literature. This variant is reported in 0.0087% of alleles in individuals of Latino descent in gnomAD. At this time, the clinical significance of this variant is uncertain due to the absence of conclusive functional and genetic evidence.

Labcorp Genetics (formerly Invitae), Labcorp
Classification: Uncertain significance. Last evaluated: 2025-12-20. Review status: criteria provided, single submitter. Criteria: Invitae Variant Classification Sherloc (09022015). Collection method: clinical testing. Allele origin: germline.
Comment: This sequence change replaces serine, which is neutral and polar, with asparagine, which is neutral and polar, at codon 1122 of the KIDINS220 protein (p.Ser1122Asn). This variant is present in population databases (rs751544830, gnomAD 0.009%). This variant has not been reported in the literature in individuals affected with KIDINS220-related conditions. ClinVar contains an entry for this variant (Variation ID: 2197703). An algorithm developed to predict the effect of missense changes on protein structure and function (PolyPhen-2) suggests that this variant is likely to be disruptive. In summary, the available evidence is currently insufficient to determine the role of this variant in disease. Therefore, it has been classified as a Variant of Uncertain Significance.

NM_020738.4(KIDINS220):c.3365G>A (p.Ser1122Asn)

Gene: KIDINS220 (kinase D interacting substrate 220; minus strand). Cytogenetic location: 2p25.1.
Variant type: single nucleotide variant.
Coding change: c.3365G>A on transcript NM_020738.4 (MANE Select); coding-DNA position 3365, G replaced by A.
Protein change: p.Ser1122Asn; replaces serine 1122 with asparagine.
Molecular consequence: missense variant. On other transcripts: non-coding transcript variant (2).
Genome position (GRCh38, 1-based): chr2:8,750,161, C>T on the plus strand (G>A on the coding strand, the complement: KIDINS220 is on the minus strand). VCF-style: chr2-8750161-C-T. GRCh37 (hg19) VCF-style: chr2-8890291-C-T.
Other names: c.3368G>A, p.Ser1123Asn (NM_001348729.2, NM_001348731.2, NM_001348734.2 and 2 more transcripts); c.3365G>A, p.Ser1122Asn (NM_001348732.2, NM_001348735.2, NM_001348738.2 and 3 more transcripts); c.3239G>A, p.Ser1080Asn (NM_001348736.2); c.3365G>A (NM_020738.2); short protein forms S1122N, S1123N, S1080N.
Identifiers: ClinVar variation 2197703 (VCV002197703.5), dbSNP rs751544830, ClinGen allele CA1519687.